The following is an entry in ClinVar:

NM_006736.6(DNAJB2):c.739A>G (p.Ser247Gly)

Gene: DNAJB2 (DnaJ heat shock protein family (Hsp40) member B2; plus strand). Cytogenetic location: 2q35.
Variant type: single nucleotide variant.
Coding change: c.739A>G on transcript NM_006736.6 (MANE Select); coding-DNA position 739, A replaced by G.
Protein change: p.Ser247Gly; replaces serine 247 with glycine.
Molecular consequence: missense variant.
Genome position (GRCh38, 1-based): chr2:219,284,751, A>G. VCF-style: chr2-219284751-A-G. GRCh37 (hg19) VCF-style: chr2-220149473-A-G.
Other names: c.739A>G, p.Ser247Gly (NM_001039550.2); short protein forms S247G.
Identifiers: ClinVar variation 1355517 (VCV001355517.6), dbSNP rs2125083744, ClinGen allele CA350652180.

ClinVar aggregate classification (germline): Uncertain significance (1 of 4 stars; one submission).

Conditions:
Neuronopathy, distal hereditary motor, autosomal recessive 5. Also called: Spinal muscular atrophy, distal, autosomal recessive, 5; NEUROPATHY, DISTAL HEREDITARY MOTOR, AUTOSOMAL RECESSIVE 5; Young adult-onset distal hereditary motor neuropathy. Identifiers: Orphanet 314485, Orphanet 443950, MedGen C4749918, MONDO:0013947, OMIM 614881.

Allele frequency attached by ClinVar (database versions not stated): gnomAD exomes below 0.00001.
gnomAD v4.1: 3 of 1,613,584 alleles (0.00019%); highest among the groups gnomAD compares: Non-Finnish European, 0.00017%; no homozygotes.

Submission:

Labcorp Genetics (formerly Invitae), Labcorp
Classification: Uncertain significance for Neuronopathy, distal hereditary motor, autosomal recessive 5. Last evaluated: 2023-08-04. Review status: criteria provided, single submitter. Criteria: Invitae Variant Classification Sherloc (09022015). Collection method: clinical testing. Allele origin: germline.
Comment: This sequence change replaces serine, which is neutral and polar, with glycine, which is neutral and non-polar, at codon 247 of the DNAJB2 protein (p.Ser247Gly). This variant is not present in population databases (gnomAD no frequency). This variant has not been reported in the literature in individuals affected with DNAJB2-related conditions. ClinVar contains an entry for this variant (Variation ID: 1355517). Advanced modeling of protein sequence and biophysical properties (such as structural, functional, and spatial information, amino acid conservation, physicochemical variation, residue mobility, and thermodynamic stability) performed at Invitae indicates that this missense variant is not expected to disrupt DNAJB2 protein function. In summary, the available evidence is currently insufficient to determine the role of this variant in disease. Therefore, it has been classified as a Variant of Uncertain Significance.